The following is an entry in ClinVar:

ClinVar aggregate classification (germline): Pathogenic (1 of 4 stars; one submission).

Conditions:
Severe myoclonic epilepsy in infancy (DRVT). Also called: Dravet syndrome; Severe Myoclonic Epilepsy in Infancy (SMEI); Epileptic encephalopathy, early infantile, 6 (Dravet syndrome); SEVERE MYOCLONIC EPILEPSY OF INFANCY; DEVELOPMENTAL AND EPILEPTIC ENCEPHALOPATHY 6A. Identifiers: Orphanet 33069, MedGen C0751122, MONDO:0100135, OMIM 607208.

Submission:

Labcorp Genetics (formerly Invitae), Labcorp
Classification: Pathogenic for Severe myoclonic epilepsy in infancy. Last evaluated: 2023-02-08. Review status: criteria provided, single submitter. Criteria: Invitae Variant Classification Sherloc (09022015). Collection method: clinical testing. Allele origin: unknown.
Comment: A gross deletion of the genomic region encompassing the full coding sequence of the SNX27 gene has been identified. Loss-of-function variants in SNX27 are known to be pathogenic (PMID: 25894286). The boundaries of this event are unknown as they extend beyond the assayed region for this gene and therefore may encompass additional genes. This variant has not been reported in the literature in individuals affected with SNX27-related conditions. For these reasons, this variant has been classified as Pathogenic.

Literature cited by the submitters: PubMed 25894286.

NC_000001.10:g.(?_151314662)_(151666077_?)del

Genes: SELENBP1 (selenium binding protein 1; minus strand), PSMB4 (proteasome 20S subunit beta 4; plus strand), SNX27 (sorting nexin 27; plus strand), POGZ (pogo transposable element derived with ZNF domain; minus strand), RFX5 (regulatory factor X5; minus strand) and 2 more. Cytogenetic location: 1q21.3.
Variant type: Deletion.
Identifiers: ClinVar variation 3247711 (VCV003247711.1).